The following is an entry in ClinVar:

ClinVar aggregate classification (germline): Uncertain significance (1 of 4 stars; one submission).

Submission:

CeGaT Center for Human Genetics Tuebingen
Classification: Uncertain significance. Last evaluated: 2025-07-01. Review status: criteria provided, single submitter. Criteria: CeGaT Center For Human Genetics Tuebingen Variant Classification Criteria Version 2. Collection method: clinical testing. Allele origin: germline. Affected: yes. Observed: 1 variant allele.
Comment: HYDIN: PM2:Supporting, BP4

NM_001270974.2(HYDIN):c.966C>T (p.His322=)

Gene: HYDIN (HYDIN axonemal central pair apparatus protein; minus strand). Cytogenetic location: 16q22.2.
Variant type: single nucleotide variant.
Coding change: c.966C>T on transcript NM_001270974.2 (MANE Select); coding-DNA position 966, C replaced by T.
Protein change: p.His322=; no amino-acid change (histidine 322 retained).
Molecular consequence: synonymous variant.
Genome position (GRCh38, 1-based): chr16:71,137,228, G>A on the plus strand (C>T on the coding strand, the complement: HYDIN is on the minus strand). VCF-style: chr16-71137228-G-A. GRCh37 (hg19) VCF-style: chr16-71171131-G-A.
Other names: c.1047C>T, p.His349= (NM_001198542.1); c.1017C>T, p.His339= (NM_001198543.1); c.966C>T, p.His322= (NM_017558.5).
Identifiers: ClinVar variation 4084777 (VCV004084777.8).